The following is an entry in ClinVar:

ClinVar aggregate classification (germline): Likely benign (1 of 4 stars; one submission).

Submission:

CeGaT Center for Human Genetics Tuebingen
Classification: Likely benign. Last evaluated: 2023-01-01. Review status: criteria provided, single submitter. Criteria: CeGaT Center For Human Genetics Tuebingen Variant Classification Criteria Version 2. Collection method: clinical testing. Allele origin: germline. Affected: yes. Observed: 1 variant allele.
Comment: KLHDC7B: BS2

NM_138433.5(KLHDC7B):c.1687_1688insCAACCCCAGCCGCATCCCCAGCCCTAACCCCAGTCCCAACCCCAGCCCTAAGCCCAGCTCCAACTCCAGCCC (p.Ala562_Leu563insProThrProAlaAlaSerProAlaLeuThrProValProThrProAlaLeuSerProAlaProThrProAla)

Genes: KLHDC7B (kelch domain containing 7B; plus strand), KLHDC7B-DT (KLHDC7B divergent transcript; minus strand). Cytogenetic location: 22q13.33.
Variant type: Insertion.
Coding change: c.1687_1688insCAACCCCAGCCGCATCCCCAGCCCTAACCCCAGTCCCAACCCCAGCCCTAAGCCCAGCTCCAACTCCAGCCC on transcript NM_138433.5 (MANE Select); coding-DNA positions 1687 to 1688, CAACCCCAGCCGCATCCCCAGCCCTAACCCCAGTCCCAACCCCAGCCCTAAGCCCAGCTCCAACTCCAGCCC inserted.
Protein change: p.Ala562_Leu563insProThrProAlaAlaSerProAlaLeuThrProValProThrProAlaLeuSerProAlaProThrProAla.
Molecular consequence: inframe insertion.
Genome position: GRCh38: chr22:50,547,930-50,547,931. GRCh37 (hg19): chr22:50,986,359-50,986,360.
Identifiers: ClinVar variation 2653402 (VCV002653402.24), dbSNP rs2069749252, ClinGen allele CA1026671677.